The following is an entry in ClinVar:

NM_001129.5(AEBP1):c.2679C>G (p.Asn893Lys)

Gene: AEBP1 (AE binding protein 1; plus strand). Cytogenetic location: 7p13.
Variant type: single nucleotide variant.
Coding change: c.2679C>G on transcript NM_001129.5 (MANE Select); coding-DNA position 2679, C replaced by G.
Protein change: p.Asn893Lys; replaces asparagine 893 with lysine.
Molecular consequence: missense variant.
Genome position (GRCh38, 1-based): chr7:44,113,100, C>G. VCF-style: chr7-44113100-C-G. GRCh37 (hg19) VCF-style: chr7-44152699-C-G.
Other names: short protein forms N893K.
Identifiers: ClinVar variation 4526015 (VCV004526015.1).

ClinVar aggregate classification (germline): Uncertain significance (1 of 4 stars; one submission).

gnomAD v4.1: 7 of 1,613,946 alleles (0.00043%); highest among the groups gnomAD compares: African/African-American, 0.0013%; no homozygotes.

Submission:

Women's Health and Genetics/Laboratory Corporation of America, LabCorp
Classification: Uncertain significance. Last evaluated: 2025-07-09. Review status: criteria provided, single submitter. Criteria: LabCorp Variant Classification Summary - May 2015. Collection method: clinical testing. Allele origin: germline.
Comment: Variant summary: AEBP1 c.2679C>G (p.Asn893Lys) results in a non-conservative amino acid change in the encoded protein sequence. Algorithms developed to predict the effect of missense changes on protein structure and function are either unavailable or do not agree on the potential impact of this missense change. The variant allele was found at a frequency of 4e-06 in 251338 control chromosomes. The available data on variant occurrences in the general population are insufficient to allow any conclusion about variant significance. To our knowledge, no occurrence of c.2679C>G in individuals affected with Ehlers-Danlos syndrome, classic-like, 2 and no experimental evidence demonstrating its impact on protein function have been reported. No submitters have cited clinical-significance assessments for this variant to ClinVar. Based on the evidence outlined above, the variant was classified as uncertain significance.